The following is an entry in ClinVar:

ClinVar aggregate classification (germline): Benign/Likely benign. Review status: criteria provided, multiple submitters, no conflicts (2 of 4 stars). 5 submissions from 5 submitters: Benign (2); Likely benign (3). Last evaluated 2024-10-02.

Conditions:
Intellectual developmental disorder, autosomal dominant 44, with microcephaly. Also called: TRIO-Related Intellectual Disability; Micrognathia-recurrent infections-behavioral abnormalities-mild intellectual disability syndrome. Identifiers: Orphanet 476126, MedGen C4310740, MONDO:0014892, OMIM 617061.
Intellectual developmental disorder, autosomal dominant 63, with macrocephaly. Also called: MENTAL RETARDATION, AUTOSOMAL DOMINANT 63, WITH MACROCEPHALY. Identifiers: MedGen C5394205, MONDO:0032939, OMIM 618825.
Inborn genetic diseases. Identifiers: MedGen C0950123, MeSH D030342.

Allele frequency attached by ClinVar (database versions not stated): gnomAD exomes 0.00032 and 0.00035; 1000 Genomes Project 0.00020; gnomAD 0.00042 and 0.00038; ExAC 0.00037; 1000 Genomes Project 30x 0.00016; TOPMed 0.00039; ESP Exome Variant Server 0.00054.
gnomAD v4.1: 532 of 1,613,966 alleles (0.033%); highest among the groups gnomAD compares: South Asian, 0.15%; 2 homozygotes.

Submissions (5):

Ambry Genetics
Classification: Likely benign for Inborn genetic diseases. Last evaluated: 2024-10-02. Review status: criteria provided, single submitter. Criteria: Ambry Variant Classification Scheme 2023. Collection method: clinical testing. Allele origin: germline.

CeGaT Center for Human Genetics Tuebingen
Classification: Benign. Last evaluated: 2022-09-01. Review status: criteria provided, single submitter. Criteria: CeGaT Center For Human Genetics Tuebingen Variant Classification Criteria Version 2. Collection method: clinical testing. Allele origin: germline. Affected: yes. Observed: 1 variant allele.
Comment: TRIO: BS1, BS2

Fulgent Genetics
Classification: Likely benign for Intellectual developmental disorder, autosomal dominant 44, with microcephaly; Intellectual developmental disorder, autosomal dominant 63, with macrocephaly. Last evaluated: 2022-03-04. Review status: criteria provided, single submitter. Criteria: ACMG Guidelines, 2015. Collection method: clinical testing. Allele origin: unknown.

GeneDx
Classification: Benign. Last evaluated: 2020-11-24. Review status: criteria provided, single submitter. Criteria: GeneDx Variant Classification Process June 2021. Collection method: clinical testing. Allele origin: germline. Affected: yes.

Labcorp Genetics (formerly Invitae), Labcorp
Classification: Likely benign. Last evaluated: 2018-08-07. Review status: criteria provided, single submitter. Criteria: Invitae Variant Classification Sherloc (09022015). Collection method: clinical testing. Allele origin: germline.

NM_007118.4(TRIO):c.9178G>A (p.Val3060Ile)

Gene: TRIO (trio Rho guanine nucleotide exchange factor; plus strand). Cytogenetic location: 5p15.2.
Variant type: single nucleotide variant.
Coding change: c.9178G>A on transcript NM_007118.4 (MANE Select); coding-DNA position 9178, G replaced by A.
Protein change: p.Val3060Ile; replaces valine 3060 with isoleucine.
Molecular consequence: missense variant. On other transcripts: non-coding transcript variant (1).
Genome position (GRCh38, 1-based): chr5:14,508,306, G>A. VCF-style: chr5-14508306-G-A. GRCh37 (hg19) VCF-style: chr5-14508415-G-A.
Other names: short protein forms V3060I.
Identifiers: ClinVar variation 745736 (VCV000745736.31), dbSNP rs149252703, ClinGen allele CA3208063.